The following is an entry in ClinVar:

ClinVar aggregate classification (germline): Uncertain significance. Review status: criteria provided, multiple submitters, no conflicts (2 of 4 stars). 4 submissions from 4 submitters: Uncertain significance (4). Last evaluated 2026-01-27.

Conditions:
Emery-Dreifuss muscular dystrophy 5, autosomal dominant (EDMD5). Also called: EMERY-DREIFUSS MUSCULAR DYSTROPHY 5. Identifiers: Orphanet 261, MedGen C2751805, MONDO:0013072, OMIM 612999.

Allele frequency attached by ClinVar (database versions not stated): TOPMed 0.00005; ExAC 0.00007; gnomAD 0.00007 and 0.00009; gnomAD exomes 0.00008.
gnomAD v4.1: 129 of 1,614,112 alleles (0.008%); highest among the groups gnomAD compares: South Asian, 0.024%; 2 homozygotes.

Submissions (4):

Labcorp Genetics (formerly Invitae), Labcorp
Classification: Uncertain significance for Emery-Dreifuss muscular dystrophy 5, autosomal dominant. Last evaluated: 2026-01-27. Review status: criteria provided, single submitter. Criteria: Invitae Variant Classification Sherloc (09022015). Collection method: clinical testing. Allele origin: germline.
Comment: This sequence change replaces alanine, which is neutral and non-polar, with valine, which is neutral and non-polar, at codon 4219 of the SYNE2 protein (p.Ala4219Val). This variant is present in population databases (rs767658277, gnomAD 0.01%). This variant has not been reported in the literature in individuals affected with SYNE2-related conditions. ClinVar contains an entry for this variant (Variation ID: 283317). An algorithm developed to predict the effect of missense changes on protein structure and function (PolyPhen-2) suggests that this variant is likely to be tolerated. In summary, the available evidence is currently insufficient to determine the role of this variant in disease. Therefore, it has been classified as a Variant of Uncertain Significance.

Ambry Genetics
Classification: Uncertain significance. Last evaluated: 2025-08-08. Review status: criteria provided, single submitter. Criteria: Ambry Variant Classification Scheme 2023. Collection method: clinical testing. Allele origin: germline.

Revvity Omics, Revvity
Classification: Uncertain significance for Emery-Dreifuss muscular dystrophy 5, autosomal dominant. Last evaluated: 2019-05-09. Review status: criteria provided, single submitter. Criteria: ACMG Guidelines, 2015. Collection method: clinical testing. Allele origin: germline.

Eurofins Ntd Llc (ga)
Classification: Uncertain significance. Last evaluated: 2015-09-15. Review status: criteria provided, single submitter. Criteria: EGL Classification Definitions 2015. Collection method: clinical testing. Allele origin: germline. Observed: 2 variant alleles, 2 heterozygotes.

NM_182914.3(SYNE2):c.12656C>T (p.Ala4219Val)

Gene: SYNE2 (spectrin repeat containing nuclear envelope protein 2; plus strand). Cytogenetic location: 14q23.2.
Variant type: single nucleotide variant.
Coding change: c.12656C>T on transcript NM_182914.3 (MANE Select); coding-DNA position 12656, C replaced by T.
Protein change: p.Ala4219Val; replaces alanine 4219 with valine.
Molecular consequence: missense variant.
Genome position (GRCh38, 1-based): chr14:64,113,387, C>T. VCF-style: chr14-64113387-C-T. GRCh37 (hg19) VCF-style: chr14-64580105-C-T.
Other names: c.12656C>T, p.Ala4219Val (NM_015180.6); short protein forms A4219V.
Identifiers: ClinVar variation 283317 (VCV000283317.17), dbSNP rs767658277, ClinGen allele CA7222231.